The following is an entry in ClinVar:

NM_019023.5(PRMT7):c.*636G>A

Gene: PRMT7 (protein arginine methyltransferase 7; plus strand). Cytogenetic location: 16q22.1.
Variant type: single nucleotide variant.
Coding change: c.*636G>A on transcript NM_019023.5 (MANE Select); 636 bases downstream of the stop codon, G replaced by A.
Molecular consequence: 3 prime UTR variant. On other transcripts: synonymous variant (1), non-coding transcript variant (12).
Genome position (GRCh38, 1-based): chr16:68,357,860, G>A. VCF-style: chr16-68357860-G-A. GRCh37 (hg19) VCF-style: chr16-68391763-G-A.
Other names: c.*636G>A (NM_001184824.4, NM_001290018.2, NM_001351144.3 and 5 more transcripts); c.2124G>A, p.Leu708= (NM_001351143.3).
Identifiers: ClinVar variation 3025898 (VCV003025898.22), dbSNP rs148675305, ClinGen allele CA283256928.

ClinVar aggregate classification (germline): Likely benign (1 of 4 stars; one submission).

Allele frequency attached by ClinVar (database versions not stated): 1000 Genomes Project 0.00120; 1000 Genomes Project 30x 0.00125; TOPMed 0.00261; gnomAD 0.00266.

Submission:

CeGaT Center for Human Genetics Tuebingen
Classification: Likely benign. Last evaluated: 2026-01-01. Review status: criteria provided, single submitter. Criteria: CeGaT Center For Human Genetics Tuebingen Variant Classification Criteria Version 2. Collection method: clinical testing. Allele origin: germline. Affected: yes. Observed: 8 variant alleles.
Comment: PRMT7: BP4, BP7